The following is an entry in ClinVar:

ClinVar aggregate classification (germline): Uncertain significance (1 of 4 stars; one submission).

Conditions:
Neuropathy, hereditary sensory and autonomic, type 2A (HSAN2A). Also called: ACROOSTEOLYSIS, GIACCAI TYPE; ACROOSTEOLYSIS, NEUROGENIC; WNK1-Related HSAN2 (HSAN2A); HSAN IIA; MORVAN DISEASE; NEUROPATHY, CONGENITAL SENSORY. Identifiers: Orphanet 970, MedGen C2752089, MONDO:0024309, OMIM 201300.
Generalized epilepsy with febrile seizures plus, type 7 (GEFSP7). Also called: GEFS+, TYPE 7. Identifiers: Orphanet 36387, MedGen C2751778, MONDO:0013470, OMIM 613863.

gnomAD v4.1: 9 of 1,613,094 alleles (0.00056%); highest among the groups gnomAD compares: East Asian, 0.0022%; no homozygotes.

Submission:

Labcorp Genetics (formerly Invitae), Labcorp
Classification: Uncertain significance for Neuropathy, hereditary sensory and autonomic, type 2A; Generalized epilepsy with febrile seizures plus, type 7. Last evaluated: 2022-04-28. Review status: criteria provided, single submitter. Criteria: Invitae Variant Classification Sherloc (09022015). Collection method: clinical testing. Allele origin: germline.
Comment: This sequence change replaces arginine, which is basic and polar, with leucine, which is neutral and non-polar, at codon 26 of the SCN9A protein (p.Arg26Leu). This variant is present in population databases (no rsID available, gnomAD 0.007%). This variant has not been reported in the literature in individuals affected with SCN9A-related conditions. Algorithms developed to predict the effect of missense changes on protein structure and function are either unavailable or do not agree on the potential impact of this missense change (SIFT: "Deleterious"; PolyPhen-2: "Possibly Damaging"; Align-GVGD: "Class C0"). In summary, the available evidence is currently insufficient to determine the role of this variant in disease. Therefore, it has been classified as a Variant of Uncertain Significance.

NM_001365536.1(SCN9A):c.77G>T (p.Arg26Leu)

Gene: SCN9A (sodium voltage-gated channel alpha subunit 9; minus strand). Cytogenetic location: 2q24.3.
Variant type: single nucleotide variant.
Coding change: c.77G>T on transcript NM_001365536.1 (MANE Select); coding-DNA position 77, G replaced by T.
Protein change: p.Arg26Leu; replaces arginine 26 with leucine.
Molecular consequence: missense variant.
Genome position (GRCh38, 1-based): chr2:166,311,680, C>A on the plus strand (G>T on the coding strand, the complement: SCN9A is on the minus strand). VCF-style: chr2-166311680-C-A. GRCh37 (hg19) VCF-style: chr2-167168190-C-A.
Other names: c.77G>T, p.Arg26Leu (NM_002977.4); short protein forms R26L.
Identifiers: ClinVar variation 1956095 (VCV001956095.5), dbSNP rs111404258, ClinGen allele CA349096162.